The following is an entry in ClinVar:

ClinVar aggregate classification (germline): Conflicting classifications of pathogenicity. Review status: criteria provided, conflicting classifications (1 of 4 stars). 17 submissions from 13 submitters: Uncertain significance (10); Benign (2); Likely benign (5). Last evaluated 2026-08-13.

Conditions:
TTN-related disorder. Also called: TTN-related condition; TTN-related disease; TTN-related disorders.
Cardiovascular phenotype. Identifiers: MedGen CN230736.
Dilated cardiomyopathy 1G (CMD1G). Identifiers: Orphanet 154, MedGen C1858763, MONDO:0011400, OMIM 604145.
Autosomal recessive limb-girdle muscular dystrophy type 2J (LGMDR10). Also called: Limb-girdle muscular dystrophy, type 2J; MUSCULAR DYSTROPHY, LIMB-GIRDLE, AUTOSOMAL RECESSIVE 10. Identifiers: Orphanet 140922, MedGen C1837342, MONDO:0012127, OMIM 608807.
Cardiomyopathy (CMYO). Also called: Cardiomyopathies. Identifiers: Orphanet 167848, MedGen C0878544, MONDO:0004994, HP:0001638. Inheritance: Various modes of inheritance.
Early-onset myopathy with fatal cardiomyopathy (CMYO5). Also called: Salih Myopathy; CONGENITAL MYOPATHY 5 WITH CARDIOMYOPATHY. Identifiers: Orphanet 289377, MedGen C2673677, MONDO:0012714, OMIM 611705. Disease mechanism: loss of function.
Myopathy, myofibrillar, 9, with early respiratory failure (MFM9). Also called: Hereditary myopathy with early respiratory failure; Myopathy, distal, with early respiratory failure, autosomal dominant; EDSTROM MYOPATHY; MYOPATHY, PROXIMAL, WITH EARLY RESPIRATORY MUSCLE INVOLVEMENT. Identifiers: Orphanet 178464, Orphanet 34521, MedGen C1863599, MONDO:0011362, OMIM 603689.
Tibial muscular dystrophy (TMD). Also called: Udd Distal Myopathy – Tibial Muscular Dystrophy; Tibial muscular dystrophy, tardive; UDD MYOPATHY. Identifiers: Orphanet 609, MedGen C1838244, MONDO:0010870, OMIM 600334.

Allele frequency attached by ClinVar (database versions not stated): gnomAD 0.00018 and 0.00020; TOPMed 0.00022; gnomAD exomes 0.00027; ExAC 0.00028.
gnomAD v4.1: 276 of 1,612,808 alleles (0.017%); highest among the groups gnomAD compares: East Asian, 0.13%; 1 homozygote.

Submissions (17):

PreventionGenetics, part of Exact Sciences
Classification: Uncertain significance for TTN-related condition. Last evaluated: 2026-08-13. Review status: criteria provided, single submitter. Criteria: ACMG Guidelines, 2015. Collection method: clinical testing. Allele origin: germline.
Comment: The TTN c.63352C>T variant is predicted to result in the amino acid substitution p.Arg21118Trp. This variant has been reported in an individual with ventricular tachycardia (described as p.Arg18550Trp in patient #471 in Tables S1 and S2, Guelly et al. 2021. PubMed ID: 33552729). This variant is reported in 0.14% of alleles in individuals of East Asian descent in gnomAD. Although we suspect that this variant may be benign, at this time, the clinical significance of this variant is uncertain due to the absence of conclusive functional and genetic evidence.

Labcorp Genetics (formerly Invitae), Labcorp
Classification: Likely benign for Dilated cardiomyopathy 1G; Autosomal recessive limb-girdle muscular dystrophy type 2J. Last evaluated: 2026-01-26. Review status: criteria provided, single submitter. Criteria: Invitae Variant Classification Sherloc (09022015). Collection method: clinical testing. Allele origin: germline.

ARUP Laboratories, Molecular Genetics and Genomics, ARUP Laboratories
Classification: Uncertain significance. Last evaluated: 2025-02-28. Review status: criteria provided, single submitter. Criteria: ARUP Molecular Germline Variant Investigation Process 2024. Collection method: clinical testing. Allele origin: germline.
Comment: The TTN c.63352C>T; p.Arg21118Trp variant (rs200726948; ClinVar Variation ID: 47194) is rare in the general population (<0.2% allele frequency in the Genome Aggregation Database) and has not been reported in the medical literature in association with dilated cardiomyopathy (DCM) or other TTN-related disease. The clinical relevance of rare missense variants in this gene, which are identified on average once per individual sequenced in affected populations (Herman 2012), is not well understood. Yet, evidence suggests that the vast majority of such missense variants do not contribute to the clinical outcome of DCM (Begay 2015). Thus, the clinical significance of the p.Arg21118Trp variant cannot be determined with certainty. References: Begay RL et al. Role of Titin Missense Variants in Dilated Cardiomyopathy. J Am Heart Assoc. 2015 Nov 13;4(11). PMID: 26567375. Herman DS et al. Truncations of titin causing dilated cardiomyopathy. N Engl J Med. 2012 Feb 16;366(7):619-28. PMID: 22335739.

Blueprint Genetics
Classification: Likely benign. Last evaluated: 2024-09-17. Review status: criteria provided, single submitter. Criteria: ACMG Guidelines, 2015. Collection method: clinical testing. Allele origin: germline.

Women's Health and Genetics/Laboratory Corporation of America, LabCorp
Classification: Likely benign. Last evaluated: 2023-06-30. Review status: criteria provided, single submitter. Criteria: LabCorp Variant Classification Summary - May 2015. Collection method: clinical testing. Allele origin: germline.
Comment: Variant summary: TTN c.55648C>T (p.Arg18550Trp) results in a non-conservative amino acid change located in the A-band domain of the encoded protein sequence. Three of four in-silico tools predict a damaging effect of the variant on protein function. The variant allele was found at a frequency of 0.00027 in 247928 control chromosomes, predominantly at a frequency of 0.0012 within the East Asian subpopulation in the gnomAD database. The observed variant frequency within East Asian control individuals in the gnomAD database is approximately 3.071 fold of the estimated maximal expected allele frequency for a pathogenic variant in TTN causing Dilated Cardiomyopathy phenotype (0.00039), strongly suggesting that the variant is a benign polymorphism found primarily in populations of East Asian origin. c.55648C>T has been reported in the literature in at least one individual affected with Ventricular tachycardia without evidence of causality (example: Guelly_2021). These report(s) do not provide unequivocal conclusions about association of the variant with Dilated Cardiomyopathy. To our knowledge, no experimental evidence demonstrating an impact on protein function has been reported. The following publication has been ascertained in the context of this evaluation (PMID: 33552729). Seven submitters have cited clinical-significance assessments for this variant to ClinVar after 2014, classifying the variant as uncertain significance (n=3), likely benign (n=3), or benign (n=1). Based on the evidence outlined above, the variant was classified as likely benign.

GeneDx
Classification: Likely benign. Last evaluated: 2020-11-24. Review status: criteria provided, single submitter. Criteria: GeneDx Variant Classification Process June 2021. Collection method: clinical testing. Allele origin: germline. Affected: yes.

Revvity Omics, Revvity
Classification: Uncertain significance. Last evaluated: 2020-07-07. Review status: criteria provided, single submitter. Criteria: ACMG Guidelines, 2015. Collection method: clinical testing. Allele origin: germline.

CeGaT Center for Human Genetics Tuebingen
Classification: Uncertain significance. Last evaluated: 2019-08-01. Review status: criteria provided, single submitter. Criteria: CeGaT Center For Human Genetics Tuebingen Variant Classification Criteria Version 2. Collection method: clinical testing. Allele origin: germline. Affected: yes. Observed: 1 variant allele.

Center for Advanced Laboratory Medicine, UC San Diego Health, University of California San Diego
Classification: Likely benign for Cardiomyopathy. Last evaluated: 2018-09-04. Review status: criteria provided, single submitter. Criteria: ACMG Guidelines, 2015. Collection method: clinical testing. Allele origin: germline. Affected: yes. Observed: 2 variant alleles.

Illumina Laboratory Services, Illumina
Classification: Uncertain significance for Early-onset myopathy with fatal cardiomyopathy. Last evaluated: 2018-01-12. Review status: criteria provided, single submitter. Criteria: ICSL Variant Classification Criteria 13 December 2019. Collection method: clinical testing. Allele origin: germline.

Illumina Laboratory Services, Illumina
Classification: Uncertain significance for Autosomal recessive limb-girdle muscular dystrophy type 2J. Last evaluated: 2018-01-12. Review status: criteria provided, single submitter. Criteria: ICSL Variant Classification Criteria 13 December 2019. Collection method: clinical testing. Allele origin: germline.

Illumina Laboratory Services, Illumina
Classification: Uncertain significance for Dilated cardiomyopathy 1G. Last evaluated: 2018-01-12. Review status: criteria provided, single submitter. Criteria: ICSL Variant Classification Criteria 13 December 2019. Collection method: clinical testing. Allele origin: germline.

Illumina Laboratory Services, Illumina
Classification: Benign for Tibial muscular dystrophy. Last evaluated: 2018-01-12. Review status: criteria provided, single submitter. Criteria: ICSL Variant Classification Criteria 13 December 2019. Collection method: clinical testing. Allele origin: germline.
Comment: This variant was observed in the ICSL laboratory as part of a predisposition screen in an ostensibly healthy population. It had not been previously curated by ICSL or reported in the Human Gene Mutation Database (HGMD: prior to June 1st, 2018), and was therefore a candidate for classification through an automated scoring system. Utilizing variant allele frequency, disease prevalence and penetrance estimates, and inheritance mode, an automated score was calculated to assess if this variant is too frequent to cause the disease. Based on the score and internal cut-off values, a variant classified as benign is not then subjected to further curation. The score for this variant resulted in a classification of benign for this disease.

Illumina Laboratory Services, Illumina
Classification: Benign for Myopathy, myofibrillar, 9, with early respiratory failure. Last evaluated: 2018-01-12. Review status: criteria provided, single submitter. Criteria: ICSL Variant Classification Criteria 13 December 2019. Collection method: clinical testing. Allele origin: germline.
Comment: the same text as in the submission from Illumina Laboratory Services, Illumina above.

Ambry Genetics
Classification: Uncertain significance for Cardiovascular phenotype. Last evaluated: 2013-11-11. Review status: criteria provided, single submitter. Criteria: Ambry Autosomal Dominant and X-Linked criteria (10/2015). Collection method: clinical testing. Allele origin: germline. Observed: 1 variant allele.
Comment: The p.R18550W variant (also known as c.55648C>T) is located in coding exon 253 of the TTN gene. This alteration results from a C to T substitution at nucleotide position 55648. The arginine at codon 18550 is replaced by tryptophan, an amino acid with dissimilar properties. This alteration was identified in 1/930 alleles (1/465 individuals) in a subset of the ClinSeq cohort that was reported in a recent publication, and authors classified this as a variant of unknown significance (Ng et al.Circ Cardiovasc Genet. 2013;6:337-346).This variant was previously reported in dbSNP asrs200726948.This variant was not reported in population-based cohorts in the 1000 Genomes Project or the NHLBI Exome Sequencing Project (ESP). In the ESP, this variant was not reported in 6145 samples (12290 alleles) with coverage at this position.Based on protein sequence alignment, this amino acid position is highly conserved in available vertebrate species.In addition, this alteration is predicted to be probably damaging by PolyPhen in silico analysis. Since supporting evidence is limited at this time, the clinical significance of this variant remains unclear.

Biesecker Lab/Clinical Genomics Section, National Institutes of Health
Classification: Uncertain significance. Last evaluated: 2013-06-24. Review status: criteria provided, single submitter. Criteria: Ng et al. (Circ Cardiovasc Genet. 2013). Collection method: research. Allele origin: unknown. Observed: 1 variant allele. Study: ClinSeq.
Comment: The study set was not selected for affection status in relation to any cancer. Pathogenicity categories were based on literature curation. See Pubmed ID:23861362 for details.

Medical sequencing

Laboratory for Molecular Medicine, Mass General Brigham Personalized Medicine
Classification: Uncertain significance. Last evaluated: 2012-10-24. Review status: criteria provided, single submitter. Criteria: LMM Criteria. Collection method: clinical testing. Allele origin: germline. Observed: 1 variant allele.
Comment: The Arg18550Trp variant in TTN has not been reported in the literature nor previ ously identified by our laboratory. This variant has been identified in 1/569 ch romosomes from the ClinSeq project listed in dbSNP (rs200726948). Computational analyses (biochemical amino acid properties, conservation, AlignGVGD, PolyPhen2, and SIFT) suggest that the Arg18550Trp variant may impact the protein, though t his information is not predictive enough to determine pathogenicity. Additional studies are needed to fully assess its clinical significance.

Literature cited by the submitters: PubMed 33552729 (cited by Women's Health and Genetics/Laboratory Corporation of America, LabCorp).

NM_001267550.2(TTN):c.63352C>T (p.Arg21118Trp)

Genes: TTN (titin; minus strand), TTN-AS1 (TTN antisense RNA 1; plus strand). Cytogenetic location: 2q31.2.
Variant type: single nucleotide variant.
Coding change: c.63352C>T on transcript NM_001267550.2 (MANE Select); coding-DNA position 63352, C replaced by T.
Protein change: p.Arg21118Trp; replaces arginine 21118 with tryptophan.
Molecular consequence: missense variant.
Genome position (GRCh38, 1-based): chr2:178,588,055, G>A on the plus strand (C>T on the coding strand, the complement: TTN is on the minus strand). VCF-style: chr2-178588055-G-A. GRCh37 (hg19) VCF-style: chr2-179452782-G-A.
Other names: c.58429C>T, p.Arg19477Trp (NM_001256850.1); c.55648C>T, p.Arg18550Trp (NM_133378.4); c.36157C>T, p.Arg12053Trp (NM_003319.4); c.36532C>T, p.Arg12178Trp (NM_133432.3); c.36733C>T, p.Arg12245Trp (NM_133437.4); short protein forms R21118W, R18550W, R12178W, R12245W, R19477W, R12053W.
Identifiers: ClinVar variation 47194 (VCV000047194.75), dbSNP rs200726948, ClinGen allele CA140280.
Genomic context (GRCh38, chr2:178,588,055, plus strand): 5'-TTTCATCCAAGCTGGTAACAGTGAATTCCTTGCGTACAAGCTGTGCTGCAGCATTACACC[G>A]TTTCCAGCCTTCATCAGGAGACGCATCTGCTATTTTTGGTCTCATTTCCACAACATATCC-3'
Protein context (NP_001254479.2, residues 21108-21128): ADASPDEGWK[Arg21118Trp]CNAAAQLVRK